The following is an entry in ClinVar:

ClinVar aggregate classification (germline): Uncertain significance (1 of 4 stars; one submission).

Conditions:
Familial cancer of breast. Also called: hereditary breast carcinoma; Hereditary breast cancer; BREAST CANCER, FAMILIAL. Identifiers: Orphanet 227535, MedGen C0346153, MONDO:0016419, OMIM 114480. Disease mechanism: loss of function.

Submission:

Labcorp Genetics (formerly Invitae), Labcorp
Classification: Uncertain significance for Familial cancer of breast. Last evaluated: 2024-04-08. Review status: criteria provided, single submitter. Criteria: Invitae Variant Classification Sherloc (09022015). Collection method: clinical testing. Allele origin: germline.
Comment: This sequence change replaces aspartic acid, which is acidic and polar, with asparagine, which is neutral and polar, at codon 42 of the BARD1 protein (p.Asp42Asn). This variant is not present in population databases (gnomAD no frequency). This variant has not been reported in the literature in individuals affected with BARD1-related conditions. An algorithm developed to predict the effect of missense changes on protein structure and function (PolyPhen-2) suggests that this variant is likely to be tolerated. In summary, the available evidence is currently insufficient to determine the role of this variant in disease. Therefore, it has been classified as a Variant of Uncertain Significance.

NM_000465.4(BARD1):c.124G>A (p.Asp42Asn)

Gene: BARD1 (BRCA1 associated RING domain 1; minus strand). Cytogenetic location: 2q35.
Variant type: single nucleotide variant.
Coding change: c.124G>A on transcript NM_000465.4 (MANE Select); coding-DNA position 124, G replaced by A.
Protein change: p.Asp42Asn; replaces aspartic acid 42 with asparagine.
Molecular consequence: missense variant. On other transcripts: non-coding transcript variant (3).
Genome position (GRCh38, 1-based): chr2:214,809,446, C>T on the plus strand (G>A on the coding strand, the complement: BARD1 is on the minus strand). VCF-style: chr2-214809446-C-T. GRCh37 (hg19) VCF-style: chr2-215674170-C-T.
Other names: c.124G>A, p.Asp42Asn (NM_001282543.2, NM_001282545.2, NM_001282548.2 and 1 more transcripts); short protein forms D42N.
Identifiers: ClinVar variation 2696036 (VCV002696036.3), dbSNP rs762894716, ClinGen allele CA350464929.